The following is an entry in ClinVar:

NM_000051.4(ATM):c.5043A>G (p.Ile1681Met)

Gene: ATM (ATM serine/threonine kinase; plus strand). Cytogenetic location: 11q22.3.
Variant type: single nucleotide variant.
Coding change: c.5043A>G on transcript NM_000051.4 (MANE Select); coding-DNA position 5043, A replaced by G.
Protein change: p.Ile1681Met; replaces isoleucine 1681 with methionine.
Molecular consequence: missense variant.
Genome position (GRCh38, 1-based): chr11:108,299,751, A>G. VCF-style: chr11-108299751-A-G. GRCh37 (hg19) VCF-style: chr11-108170478-A-G.
Other names: c.5043A>G, p.Ile1681Met (NM_001351834.2); short protein forms I1681M.
Identifiers: ClinVar variation 861798 (VCV000861798.10), dbSNP rs2083322309, ClinGen allele CA382540379.
Genomic context (GRCh38, chr11:108,299,751, plus strand): 5'-TGAAATAGAATTTCTATATGTAGAGGCTGTTGGAAGCTGCTTGGGAGAAGTGGGTCCTAT[A>G]GATTTCTCTACCATAGCTATACAACATAGTAAAGATGCATCTTATACCAAGGCCCTTAAG-3'
Protein context (NP_000042.3, residues 1671-1691): VGSCLGEVGP[Ile1681Met]DFSTIAIQHS

ClinVar aggregate classification (germline): Uncertain significance. Review status: criteria provided, multiple submitters, no conflicts (2 of 4 stars). 2 submissions from 2 submitters: Uncertain significance (2). Last evaluated 2024-06-28.

Conditions:
Hereditary cancer-predisposing syndrome. Also called: Hereditary neoplastic syndrome; Tumor predisposition; Neoplastic Syndromes, Hereditary; Hereditary Cancer Syndrome. Identifiers: Orphanet 140162, MedGen C0027672, MeSH D009386, MONDO:0015356.
Ataxia-telangiectasia syndrome (AT). Also called: Ataxia telangiectasia (A-T); Cerebello-oculocutaneous telangiectasia; Immunodeficiency with ataxia telangiectasia; AT, COMPLEMENTATION GROUP C; ATAXIA-TELANGIECTASIA, COMPLEMENTATION GROUP A; ATAXIA-TELANGIECTASIA, FRESNO VARIANT. Identifiers: Orphanet 100, MedGen C0004135, MONDO:0008840, OMIM 208900.

Submissions (2):

Ambry Genetics
Classification: Uncertain significance for Hereditary cancer-predisposing syndrome. Last evaluated: 2024-06-28. Review status: criteria provided, single submitter. Criteria: Ambry Variant Classification Scheme 2023. Collection method: clinical testing. Allele origin: germline.
Comment: The p.I1681M variant (also known as c.5043A>G), located in coding exon 33 of the ATM gene, results from an A to G substitution at nucleotide position 5043. The isoleucine at codon 1681 is replaced by methionine, an amino acid with highly similar properties. This amino acid position is conserved. In addition, this alteration is predicted to be tolerated by in silico analysis. Based on the available evidence, the clinical significance of this variant remains unclear.

Labcorp Genetics (formerly Invitae), Labcorp
Classification: Uncertain significance for Ataxia-telangiectasia syndrome. Last evaluated: 2022-03-05. Review status: criteria provided, single submitter. Criteria: Invitae Variant Classification Sherloc (09022015). Collection method: clinical testing. Allele origin: germline.
Comment: In summary, the available evidence is currently insufficient to determine the role of this variant in disease. Therefore, it has been classified as a Variant of Uncertain Significance. Advanced modeling of protein sequence and biophysical properties (such as structural, functional, and spatial information, amino acid conservation, physicochemical variation, residue mobility, and thermodynamic stability) performed at Invitae indicates that this missense variant is not expected to disrupt ATM protein function. ClinVar contains an entry for this variant (Variation ID: 861798). This variant has not been reported in the literature in individuals affected with ATM-related conditions. This variant is not present in population databases (gnomAD no frequency). This sequence change replaces isoleucine, which is neutral and non-polar, with methionine, which is neutral and non-polar, at codon 1681 of the ATM protein (p.Ile1681Met).